The following is an entry in ClinVar:

ClinVar aggregate classification (germline): Uncertain significance (1 of 4 stars; one submission).

Conditions:
Aortic aneurysm, familial thoracic 7 (AAT7). Also called: AORTIC DISSECTION, FAMILIAL, WITH OR WITHOUT AORTIC ANEURYSM. Identifiers: MedGen C3151077, MONDO:0013418, OMIM 613780.

Allele frequency attached by ClinVar (database versions not stated): TOPMed below 0.00001; ExAC 0.00001; gnomAD exomes 0.00001.

Submission:

Labcorp Genetics (formerly Invitae), Labcorp
Classification: Uncertain significance for Aortic aneurysm, familial thoracic 7. Last evaluated: 2023-01-16. Review status: criteria provided, single submitter. Criteria: Invitae Variant Classification Sherloc (09022015). Collection method: clinical testing. Allele origin: germline.
Comment: Advanced modeling of protein sequence and biophysical properties (such as structural, functional, and spatial information, amino acid conservation, physicochemical variation, residue mobility, and thermodynamic stability) performed at Invitae indicates that this missense variant is not expected to disrupt MYLK protein function. This variant has not been reported in the literature in individuals affected with MYLK-related conditions. This variant is present in population databases (rs781027090, gnomAD 0.0009%). This sequence change replaces valine, which is neutral and non-polar, with isoleucine, which is neutral and non-polar, at codon 123 of the MYLK protein (p.Val123Ile). In summary, the available evidence is currently insufficient to determine the role of this variant in disease. Therefore, it has been classified as a Variant of Uncertain Significance.

NM_053025.4(MYLK):c.367G>A (p.Val123Ile)

Gene: MYLK (myosin light chain kinase; minus strand). Cytogenetic location: 3q21.1.
Variant type: single nucleotide variant.
Coding change: c.367G>A on transcript NM_053025.4 (MANE Select); coding-DNA position 367, G replaced by A.
Protein change: p.Val123Ile; replaces valine 123 with isoleucine.
Molecular consequence: missense variant. On other transcripts: intron variant (1).
Genome position (GRCh38, 1-based): chr3:123,752,337, C>T on the plus strand (G>A on the coding strand, the complement: MYLK is on the minus strand). VCF-style: chr3-123752337-C-T. GRCh37 (hg19) VCF-style: chr3-123471184-C-T.
Other names: c.367G>A, p.Val123Ile (NM_053026.4, NM_053027.4, NM_053028.4); c.-155-12336G>A (NM_001321309.2); short protein forms V123I.
Identifiers: ClinVar variation 1905031 (VCV001905031.5), dbSNP rs781027090, ClinGen allele CA070401.